The following is an entry in ClinVar:

NM_001395002.1(MAP4K4):c.3821A>G (p.Asp1274Gly)

Gene: MAP4K4 (mitogen-activated protein kinase kinase kinase kinase 4; plus strand). Cytogenetic location: 2q11.2.
Variant type: single nucleotide variant.
Coding change: c.3821A>G on transcript NM_001395002.1 (MANE Select); coding-DNA position 3821, A replaced by G.
Protein change: p.Asp1274Gly; replaces aspartic acid 1274 with glycine.
Molecular consequence: missense variant. On other transcripts: non-coding transcript variant (4).
Genome position (GRCh38, 1-based): chr2:101,887,827, A>G. VCF-style: chr2-101887827-A-G. GRCh37 (hg19) VCF-style: chr2-102504289-A-G.
Other names: c.3539A>G, p.Asp1180Gly (NM_001384567.1); c.3440A>G, p.Asp1147Gly (NM_001384572.1); c.3371A>G, p.Asp1124Gly (NM_001384579.1, NM_001384491.1); c.3164A>G, p.Asp1055Gly (NM_004834.5); c.3488A>G, p.Asp1163Gly (NM_145686.4); c.3305A>G, p.Asp1102Gly (NM_145687.4, NM_001384559.1); c.3269A>G, p.Asp1090Gly (NM_001384557.1); c.3347A>G, p.Asp1116Gly (NM_001384558.1); and 40 more; short protein forms D1039G, D1045G, D1048G, D1055G, D1067G, D1078G, D1079G, D1090G.
Identifiers: ClinVar variation 4527426 (VCV004527426.1).

ClinVar aggregate classification (germline): Uncertain significance (1 of 4 stars; one submission).

Submission:

GeneDx
Classification: Uncertain significance. Last evaluated: 2025-04-23. Review status: criteria provided, single submitter. Criteria: GeneDx Variant Classification Process June 2021. Collection method: clinical testing. Allele origin: germline. Affected: yes.
Comment: Not observed at significant frequency in large population cohorts (gnomAD); In silico analysis supports that this missense variant has a deleterious effect on protein structure/function; Has not been previously published as pathogenic or benign to our knowledge; In silico analysis suggests this variant may impact gene splicing. In the absence of RNA/functional studies, the actual effect of this sequence change is unknown.